The following is an entry in ClinVar:

NM_004092.4(ECHS1):c.229G>A (p.Glu77Lys)

Gene: ECHS1 (enoyl-CoA hydratase, short chain 1; minus strand). Cytogenetic location: 10q26.3.
Variant type: single nucleotide variant.
Coding change: c.229G>A on transcript NM_004092.4 (MANE Select); coding-DNA position 229, G replaced by A.
Protein change: p.Glu77Lys; replaces glutamic acid 77 with lysine.
Molecular consequence: missense variant.
Genome position (GRCh38, 1-based): chr10:133,370,617, C>T on the plus strand (G>A on the coding strand, the complement: ECHS1 is on the minus strand). VCF-style: chr10-133370617-C-T. GRCh37 (hg19) VCF-style: chr10-135184121-C-T.
Other names: short protein forms E77K.
Identifiers: ClinVar variation 1424044 (VCV001424044.3), dbSNP rs1426014295, ClinGen allele CA378822934.

ClinVar aggregate classification (germline): Uncertain significance (1 of 4 stars; one submission).

Allele frequency attached by ClinVar (database versions not stated): gnomAD 0.00001.
gnomAD v4.1: 23 of 1,611,848 alleles (0.0014%); highest among the groups gnomAD compares: East Asian, 0.0022%; no homozygotes.

Submission:

Labcorp Genetics (formerly Invitae), Labcorp
Classification: Uncertain significance. Last evaluated: 2021-08-17. Review status: criteria provided, single submitter. Criteria: Invitae Variant Classification Sherloc (09022015). Collection method: clinical testing. Allele origin: germline.
Comment: This sequence change replaces glutamic acid with lysine at codon 77 of the ECHS1 protein (p.Glu77Lys). The glutamic acid residue is moderately conserved and there is a small physicochemical difference between glutamic acid and lysine. This variant is not present in population databases (ExAC no frequency). This variant has not been reported in the literature in individuals affected with ECHS1-related conditions. Advanced modeling of protein sequence and biophysical properties (such as structural, functional, and spatial information, amino acid conservation, physicochemical variation, residue mobility, and thermodynamic stability) performed at Invitae indicates that this missense variant is expected to disrupt ECHS1 protein function. In summary, the available evidence is currently insufficient to determine the role of this variant in disease. Therefore, it has been classified as a Variant of Uncertain Significance.